The following is an entry in ClinVar:

ClinVar aggregate classification (germline): Uncertain significance. Review status: criteria provided, multiple submitters, no conflicts (2 of 4 stars). 3 submissions from 3 submitters: Uncertain significance (3). Last evaluated 2026-01-26.

Conditions:
Tuberous sclerosis syndrome (TSC). Also called: Tuberous sclerosis; Tuberous Sclerosis Complex. Identifiers: Orphanet 805, MedGen C0041341, MONDO:0001734.
Hereditary cancer-predisposing syndrome. Also called: Hereditary neoplastic syndrome; Neoplastic Syndromes, Hereditary; Hereditary Cancer Syndrome; Tumor predisposition. Identifiers: Orphanet 140162, MedGen C0027672, MeSH D009386, MONDO:0015356.
Tuberous sclerosis 1 (TSC1). Identifiers: Orphanet 805, MedGen C1854465, MONDO:0008612, OMIM 191100.

Submissions (3):

Labcorp Genetics (formerly Invitae), Labcorp
Classification: Uncertain significance for Tuberous sclerosis 1. Last evaluated: 2026-01-26. Review status: criteria provided, single submitter. Criteria: Invitae Variant Classification Sherloc (09022015). Collection method: clinical testing. Allele origin: germline.
Comment: This variant, c.2941_2943del, results in the deletion of 1 amino acid(s) of the TSC1 protein (p.Glu981del), but otherwise preserves the integrity of the reading frame. This variant is present in population databases (no rsID available, gnomAD 0.01%). This variant has not been reported in the literature in individuals affected with TSC1-related conditions. ClinVar contains an entry for this variant (Variation ID: 574381). Experimental studies and prediction algorithms are not available or were not evaluated, and the functional significance of this variant is currently unknown. In summary, the available evidence is currently insufficient to determine the role of this variant in disease. Therefore, it has been classified as a Variant of Uncertain Significance.

Color Diagnostics, LLC DBA Color Health
Classification: Uncertain significance for Tuberous sclerosis syndrome. Last evaluated: 2025-07-18. Review status: criteria provided, single submitter. Criteria: ACMG Guidelines, 2015. Collection method: clinical testing. Allele origin: germline.
Comment: This variant causes an in-frame deletion of one amino acid at exon 22 of the TSC1 protein. To our knowledge, functional studies have not been reported for this variant. This variant has not been reported in individuals affected with TSC1-related disorders in the literature. This variant has been identified in 1/31384 chromosomes in the general population by the Genome Aggregation Database (gnomAD). The available evidence is insufficient to determine the role of this variant in disease conclusively. Therefore, this variant is classified as a Variant of Uncertain Significance.

Ambry Genetics
Classification: Uncertain significance for Hereditary cancer-predisposing syndrome. Last evaluated: 2024-03-27. Review status: criteria provided, single submitter. Criteria: Ambry Variant Classification Scheme 2023. Collection method: clinical testing. Allele origin: germline.
Comment: The c.2941_2943delGAA variant (also known as p.E981del) is located in coding exon 20 of the TSC1 gene. This variant results from an in-frame GAA deletion at nucleotide positions 2941 to 2943. This results in the in-frame deletion of a glutamic acid at codon 981. This amino acid position is not well conserved in available vertebrate species. In addition, this alteration is predicted to be neutral by in silico analysis (Choi Y et al. PLoS ONE. 2012; 7(10):e46688). Since supporting evidence is limited at this time, the clinical significance of this alteration remains unclear.

NM_000368.5(TSC1):c.2935GAA[2] (p.Glu981del)

Gene: TSC1 (TSC complex subunit 1; minus strand). Cytogenetic location: 9q34.13.
Variant type: Microsatellite.
Coding change: c.2935GAA[2] on transcript NM_000368.5 (MANE Select); two copies in a row of the 3-base unit GAA starting at c.2935; the reference has three copies in a row; one copy, 3 bases deleted; also written c.2941_2943del.
Protein change: p.Glu981del; deletes glutamic acid 981.
Molecular consequence: inframe deletion.
Genome position (GRCh38, 1-based): chr9:132,897,216-132,897,218, TTC deleted on the plus strand (GAA on the coding strand, the reverse complement: TSC1 is on the minus strand); deleting any 3 consecutive bases within chr9:132,897,216-132,897,224 gives the same sequence; the position shown is the placement nearest the transcript's 3' end. VCF-style (leftmost placement, unchanged base first): chr9-132897215-TTTC-T. GRCh37 (hg19) VCF-style: chr9-135772602-TTTC-T.
Other names: c.2932GAA[2], p.Glu980del (NM_001162426.2); c.2782GAA[2], p.Glu930del (NM_001162427.2); c.2572GAA[2], p.Glu860del (NM_001362177.2); c.2941_2943delGAA (NM_000368.4); c.2941_2943del (NM_000368.5); short protein forms E981del, E860del, E930del, E980del.
Identifiers: ClinVar variation 574381 (VCV000574381.8), dbSNP rs1233796412, ClinGen allele CA591056358.